The following is an entry in ClinVar:

NM_182914.3(SYNE2):c.16568T>G (p.Leu5523Arg)

Gene: SYNE2 (spectrin repeat containing nuclear envelope protein 2; plus strand). Cytogenetic location: 14q23.2.
Variant type: single nucleotide variant.
Coding change: c.16568T>G on transcript NM_182914.3 (MANE Select); coding-DNA position 16568, T replaced by G.
Protein change: p.Leu5523Arg; replaces leucine 5523 with arginine.
Molecular consequence: missense variant.
Genome position (GRCh38, 1-based): chr14:64,165,373, T>G. VCF-style: chr14-64165373-T-G. GRCh37 (hg19) VCF-style: chr14-64632091-T-G.
Other names: c.16568T>G, p.Leu5523Arg (NM_015180.6); short protein forms L5523R.
Identifiers: ClinVar variation 1462514 (VCV001462514.6), dbSNP rs2153721084, ClinGen allele CA389962712.
Genomic context (GRCh38, chr14:64,165,373, plus strand): 5'-GAGTCCGGCTGGAATCTTTAAAAGGTCTTATTATGCATGAAGAAGAGAATTTGGATAGAC[T>G]TCACCAACAGGAAAAAGAAAATCCTGACTCATTCCTGGTATTGCCAATATTTGTCTTTTC-3'
Protein context (NP_878918.2, residues 5513-5533): IMHEEENLDR[Leu5523Arg]HQQEKENPDS

ClinVar aggregate classification (germline): Uncertain significance (1 of 4 stars; one submission).

Conditions:
Emery-Dreifuss muscular dystrophy 5, autosomal dominant (EDMD5). Also called: EMERY-DREIFUSS MUSCULAR DYSTROPHY 5. Identifiers: Orphanet 261, MedGen C2751805, MONDO:0013072, OMIM 612999.

Submission:

Labcorp Genetics (formerly Invitae), Labcorp
Classification: Uncertain significance for Emery-Dreifuss muscular dystrophy 5, autosomal dominant. Last evaluated: 2021-10-24. Review status: criteria provided, single submitter. Criteria: Invitae Variant Classification Sherloc (09022015). Collection method: clinical testing. Allele origin: germline.
Comment: This sequence change replaces leucine with arginine at codon 5523 of the SYNE2 protein (p.Leu5523Arg). The leucine residue is moderately conserved and there is a moderate physicochemical difference between leucine and arginine. This variant is not present in population databases (ExAC no frequency). This variant has not been reported in the literature in individuals affected with SYNE2-related conditions. Algorithms developed to predict the effect of missense changes on protein structure and function are either unavailable or do not agree on the potential impact of this missense change (SIFT: "Deleterious"; PolyPhen-2: "Probably Damaging"; Align-GVGD: "Class C0"). In summary, the available evidence is currently insufficient to determine the role of this variant in disease. Therefore, it has been classified as a Variant of Uncertain Significance.